The following is an entry in ClinVar:

NM_004817.4(TJP2):c.766del (p.Ala256fs)

Gene: TJP2 (tight junction protein 2; plus strand). Cytogenetic location: 9q21.11.
Variant type: Deletion.
Coding change: c.766del on transcript NM_004817.4 (MANE Select); coding-DNA position 766, one base deleted (G; older notation c.766delG).
Protein change: p.Ala256fs; shifts the reading frame from alanine 256.
Molecular consequence: frameshift variant.
Genome position (GRCh38, 1-based): chr9:69,221,310, G deleted; the last of 3 consecutive G bases (chr9:69,221,308-69,221,310); deleting any one gives the same sequence. VCF-style (leftmost placement, unchanged base first): chr9-69221307-CG-C. GRCh37 (hg19) VCF-style: chr9-71836223-CG-C.
Other names: c.697del, p.Ala233fs (NM_001170414.2, NM_001369870.1, NM_001369871.1); c.778del, p.Ala260fs (NM_001170415.1, NM_001369874.1, NM_001369875.1); c.859del, p.Ala287fs (NM_001170416.2); c.766del, p.Ala256fs (NM_001369872.1, NM_001369873.1, NM_201629.3); short protein forms A256fs, A260fs, A233fs, A287fs.
Identifiers: ClinVar variation 2026437 (VCV002026437.4), dbSNP rs2538450938, ClinGen allele CA2580080536.
Genomic context (GRCh38, chr9:69,221,307, plus strand): 5'-CGGGACCGTGACCGCAGCCGCGGCCGGAGCATTGACCAGGACTACGAGCGAGCCTATCAC[CG>C]GGCCTACGACCCAGACTACGAGCGGGCCTACAGCCCGGAGTACAGGCGCGGGGCCCGCCA-3'

ClinVar aggregate classification (germline): Pathogenic (1 of 4 stars; one submission).

Submission:

Labcorp Genetics (formerly Invitae), Labcorp
Classification: Pathogenic. Last evaluated: 2022-09-06. Review status: criteria provided, single submitter. Criteria: Invitae Variant Classification Sherloc (09022015). Collection method: clinical testing. Allele origin: germline.
Comment: For these reasons, this variant has been classified as Pathogenic. This variant has not been reported in the literature in individuals affected with TJP2-related conditions. This variant is not present in population databases (gnomAD no frequency). This sequence change creates a premature translational stop signal (p.Ala256Profs*55) in the TJP2 gene. It is expected to result in an absent or disrupted protein product. Loss-of-function variants in TJP2 are known to be pathogenic (PMID: 24614073, 25921221, 28039895).

Literature cited by the submitters: PubMed 24614073; PubMed 25921221; PubMed 28039895.